The following is an entry in ClinVar:

NM_006648.4(WNK2):c.806G>A (p.Arg269Gln)

Gene: WNK2 (WNK lysine deficient protein kinase 2; plus strand). Cytogenetic location: 9q22.31.
Variant type: single nucleotide variant.
Coding change: c.806G>A on transcript NM_006648.4 (MANE Select); coding-DNA position 806, G replaced by A.
Protein change: p.Arg269Gln; replaces arginine 269 with glutamine.
Molecular consequence: missense variant.
Genome position (GRCh38, 1-based): chr9:93,229,820, G>A. VCF-style: chr9-93229820-G-A. GRCh37 (hg19) VCF-style: chr9-95992102-G-A.
Other names: c.806G>A, p.Arg269Gln (NM_001282394.3); short protein forms R269Q.
Identifiers: ClinVar variation 4605176 (VCV004605176.1).

ClinVar aggregate classification (germline): Uncertain significance (1 of 4 stars; one submission).

gnomAD v4.1: 4 of 1,613,954 alleles (0.00025%); highest among the groups gnomAD compares: African/African-American, 0.0013%; no homozygotes.

Submission:

Ambry Genetics
Classification: Uncertain significance. Last evaluated: 2025-09-21. Review status: criteria provided, single submitter. Criteria: Ambry Variant Classification Scheme 2023. Collection method: clinical testing. Allele origin: germline.
Comment: The p.R269Q variant (also known as c.806G>A), located in coding exon 2 of the WNK2 gene, results from a G to A substitution at nucleotide position 806. The arginine at codon 269 is replaced by glutamine, an amino acid with highly similar properties. This amino acid position is conserved. In addition, this alteration is predicted to be tolerated by in silico analysis. Based on the available evidence, the clinical significance of this variant remains unclear.